The following is an entry in ClinVar:

NM_001698.3(AUH):c.197del (p.Gly66fs)

Genes: AUH (AU RNA binding methylglutaconyl-CoA hydratase; minus strand), LOC130002059 (ATAC-STARR-seq lymphoblastoid silent region 20025; plus strand). Cytogenetic location: 9q22.31.
Variant type: Deletion.
Coding change: c.197del on transcript NM_001698.3 (MANE Select); coding-DNA position 197, one base deleted (G; older notation c.197delG).
Protein change: p.Gly66fs; shifts the reading frame from glycine 66.
Molecular consequence: frameshift variant. On other transcripts: 5 prime UTR variant (3).
Genome position (GRCh38, 1-based): chr9:91,361,693, C deleted on the plus strand (G on the coding strand, the reverse complement: AUH is on the minus strand); the first of 4 consecutive C bases (chr9:91,361,693-91,361,696); deleting any one gives the same sequence. VCF-style (leftmost placement, unchanged base first): chr9-91361692-GC-G. GRCh37 (hg19) VCF-style: chr9-94123974-GC-G.
Other names: c.197delG (NM_001698.2); c.197del, p.Gly66fs (NM_001306190.2); c.-201del (NM_001351431.2, NM_001351433.2); c.-293del (NM_001351432.2); short protein forms G66fs.
Identifiers: ClinVar variation 850052 (VCV000850052.8), dbSNP rs1219516037, ClinGen allele CA589436865.

ClinVar aggregate classification (germline): Pathogenic. Review status: criteria provided, multiple submitters, no conflicts (2 of 4 stars). 2 submissions from 2 submitters: Pathogenic (2). Last evaluated 2023-06-14.

Conditions:
3-methylglutaconic aciduria type 1 (MGCA1). Identifiers: Orphanet 67046, MedGen C0342727, MONDO:0009610, OMIM 250950.

Submissions (2):

Women's Health and Genetics/Laboratory Corporation of America, LabCorp
Classification: Pathogenic for 3-methylglutaconic aciduria type 1. Last evaluated: 2023-06-14. Review status: criteria provided, single submitter. Criteria: LabCorp Variant Classification Summary - May 2015. Collection method: clinical testing. Allele origin: germline.
Comment: Variant summary: AUH c.197delG (p.Gly66AlafsX6) results in a premature termination codon, predicted to cause a truncation of the encoded protein or absence of the protein due to nonsense mediated decay, which are commonly known mechanisms for disease. The variant allele was found at a frequency of 2.9e-05 in 169544 control chromosomes. To our knowledge, no occurrence of c.197delG in individuals affected with AUH-related conditions and no experimental evidence demonstrating its impact on protein function have been reported. One clinical diagnostic laboratory has submitted clinical-significance assessments for this variant to ClinVar after 2014 and classified the variant as pathogenic. Based on the evidence outlined above, the variant was classified as pathogenic.

Labcorp Genetics (formerly Invitae), Labcorp
Classification: Pathogenic for 3-methylglutaconic aciduria type 1. Last evaluated: 2023-04-24. Review status: criteria provided, single submitter. Criteria: Invitae Variant Classification Sherloc (09022015). Collection method: clinical testing. Allele origin: germline.
Comment: For these reasons, this variant has been classified as Pathogenic. ClinVar contains an entry for this variant (Variation ID: 850052). This variant has not been reported in the literature in individuals affected with AUH-related conditions. This variant is present in population databases (no rsID available, gnomAD 0.01%). This sequence change creates a premature translational stop signal (p.Gly66Alafs*6) in the AUH gene. It is expected to result in an absent or disrupted protein product. Loss-of-function variants in AUH are known to be pathogenic (PMID: 12655555, 20882351).

Literature cited by the submitters: PubMed 12655555 (cited by Labcorp Genetics (formerly Invitae), Labcorp); PubMed 20882351 (cited by Labcorp Genetics (formerly Invitae), Labcorp).